The following is an entry in ClinVar:

NM_170606.3(KMT2C):c.10169C>T (p.Pro3390Leu)

Gene: KMT2C (lysine methyltransferase 2C; minus strand). Cytogenetic location: 7q36.1.
Variant type: single nucleotide variant.
Coding change: c.10169C>T on transcript NM_170606.3 (MANE Select); coding-DNA position 10169, C replaced by T.
Protein change: p.Pro3390Leu; replaces proline 3390 with leucine.
Molecular consequence: missense variant.
Genome position (GRCh38, 1-based): chr7:152,163,408, G>A on the plus strand (C>T on the coding strand, the complement: KMT2C is on the minus strand). VCF-style: chr7-152163408-G-A. GRCh37 (hg19) VCF-style: chr7-151860493-G-A.
Other names: short protein forms P3390L.
Identifiers: ClinVar variation 4623107 (VCV004623107.1).
Genomic context (GRCh38, chr7:152,163,408, plus strand): 5'-CTCTCTTGCTGTTCTCGTAAACGTTCCTTACGTTCCCGTTCTTGAAAACTTTCACTAAAG[G>A]GATTGTTGTCATCAAATTCTACCCGAGGTGGTGGTCCACTCTGTGGATTTGCATTTGAGA-3'
Protein context (NP_733751.2, residues 3380-3400): PPRVEFDDNN[Pro3390Leu]FSESFQERER

ClinVar aggregate classification (germline): Uncertain significance (1 of 4 stars; one submission).

Conditions:
Inborn genetic diseases. Identifiers: MedGen C0950123, MeSH D030342.

gnomAD v4.1: 2 of 1,614,030 alleles (0.00012%); highest among the groups gnomAD compares: Non-Finnish European, 0.00017%; no homozygotes.

Submission:

Ambry Genetics
Classification: Uncertain significance for Inborn genetic diseases. Last evaluated: 2025-10-14. Review status: criteria provided, single submitter. Criteria: Ambry Variant Classification Scheme 2023. Collection method: clinical testing. Allele origin: germline.
Comment: The c.10169C>T (p.P3390L) alteration is located in exon 43 (coding exon 43) of the KMT2C gene. This alteration results from a C to T substitution at nucleotide position 10169, causing the proline (P) at amino acid position 3390 to be replaced by a leucine (L). Based on data from gnomAD, the T allele has an overall frequency of <0.001% (1/251488) total alleles studied. The highest observed frequency was 0.001% (1/113762) of European (non-Finnish) alleles. Based on insufficient or conflicting evidence, the clinical significance of this alteration remains unclear.